The following is an entry in ClinVar:

ClinVar aggregate classification (germline): Uncertain significance (1 of 4 stars; one submission).

Submission:

Labcorp Genetics (formerly Invitae), Labcorp
Classification: Uncertain significance. Last evaluated: 2024-08-04. Review status: criteria provided, single submitter. Criteria: Invitae Variant Classification Sherloc (09022015). Collection method: clinical testing. Allele origin: germline.
Comment: This variant, c.2375_2389del, results in the deletion of 5 amino acid(s) of the ALPK1 protein (p.Ala792_Glu796del), but otherwise preserves the integrity of the reading frame. This variant is not present in population databases (gnomAD no frequency). This variant has not been reported in the literature in individuals affected with ALPK1-related conditions. ClinVar contains an entry for this variant (Variation ID: 2419049). Experimental studies and prediction algorithms are not available or were not evaluated, and the functional significance of this variant is currently unknown. In summary, the available evidence is currently insufficient to determine the role of this variant in disease. Therefore, it has been classified as a Variant of Uncertain Significance.

NM_025144.4(ALPK1):c.2375_2389del (p.Ala792_Glu796del)

Gene: ALPK1 (alpha kinase 1; plus strand). Cytogenetic location: 4q25.
Variant type: Deletion.
Coding change: c.2375_2389del on transcript NM_025144.4 (MANE Select); coding-DNA positions 2375 to 2389, 15 bases deleted (CAGAAAGCACTGAAG).
Protein change: p.Ala792_Glu796del.
Molecular consequence: inframe deletion.
Genome position (GRCh38, 1-based): chr4:112,431,922-112,431,936, CAGAAAGCACTGAAG deleted; deleting any 15 consecutive bases within chr4:112,431,920-112,431,936 gives the same sequence; the c. name uses the placement nearest the transcript's 3' end. VCF-style (leftmost placement, unchanged base first): chr4-112431919-CAGCAGAAAGCACTGA-C. GRCh37 (hg19) VCF-style: chr4-113353075-CAGCAGAAAGCACTGA-C.
Other names: c.2375_2389del, p.Ala792_Glu796del (NM_001102406.2); c.2141_2155del, p.Ala714_Glu718del (NM_001253884.2).
Identifiers: ClinVar variation 2419049 (VCV002419049.6), dbSNP rs1734577545, ClinGen allele CA1485941974.